The following is an entry in ClinVar:

NM_000095.3(COMP):c.1417G>A (p.Asp473Asn)

Gene: COMP (cartilage oligomeric matrix protein; minus strand). Cytogenetic location: 19p13.11.
Variant type: single nucleotide variant.
Coding change: c.1417G>A on transcript NM_000095.3 (MANE Select); coding-DNA position 1417, G replaced by A.
Protein change: p.Asp473Asn; replaces aspartic acid 473 with asparagine.
Molecular consequence: missense variant.
Genome position (GRCh38, 1-based): chr19:18,786,037, C>T on the plus strand (G>A on the coding strand, the complement: COMP is on the minus strand). VCF-style: chr19-18786037-C-T. GRCh37 (hg19) VCF-style: chr19-18896847-C-T.
Other names: short protein forms D473N.
Identifiers: ClinVar variation 1879428 (VCV001879428.29), dbSNP rs2512847519, ClinGen allele CA404884546.

ClinVar aggregate classification (germline): Likely pathogenic (1 of 4 stars; one submission).

Submission:

CeGaT Center for Human Genetics Tuebingen
Classification: Likely pathogenic. Last evaluated: 2022-10-01. Review status: criteria provided, single submitter. Criteria: CeGaT Center For Human Genetics Tuebingen Variant Classification Criteria Version 2. Collection method: clinical testing. Allele origin: germline. Affected: yes. Observed: 1 variant allele.
Comment: COMP: PM1, PM2, PM5, PS3:Supporting, PS4:Supporting